The following is an entry in ClinVar:

ClinVar aggregate classification (germline): Likely pathogenic (1 of 4 stars; one submission).

Conditions:
Developmental and epileptic encephalopathy, 31A. Also called: Developmental and epileptic encephalopathy, 31; Epileptic encephalopathy, early infantile, 31. Identifiers: Orphanet 2382, MedGen C4225357, MONDO:0014598, OMIM 616346.

Submission:

Labcorp Genetics (formerly Invitae), Labcorp
Classification: Likely pathogenic for Developmental and epileptic encephalopathy, 31A. Last evaluated: 2025-01-15. Review status: criteria provided, single submitter. Criteria: Invitae Variant Classification Sherloc (09022015). Collection method: clinical testing. Allele origin: germline.
Comment: This sequence change replaces glutamic acid, which is acidic and polar, with lysine, which is basic and polar, at codon 576 of the DNM1 protein (p.Glu576Lys). This variant is not present in population databases (gnomAD no frequency). This missense change has been observed in individual(s) with clinical features of DNM1-related conditions (internal data). In at least one individual the variant was observed to be de novo. ClinVar contains an entry for this variant (Variation ID: 1067855). Invitae Evidence Modeling of protein sequence and biophysical properties (such as structural, functional, and spatial information, amino acid conservation, physicochemical variation, residue mobility, and thermodynamic stability) indicates that this missense variant is not expected to disrupt DNM1 protein function with a negative predictive value of 80%. In summary, the currently available evidence indicates that the variant is pathogenic, but additional data are needed to prove that conclusively. Therefore, this variant has been classified as Likely Pathogenic.

NM_004408.4(DNM1):c.1726G>A (p.Glu576Lys)

Gene: DNM1 (dynamin 1; plus strand). Cytogenetic location: 9q34.11.
Variant type: single nucleotide variant.
Coding change: c.1726G>A on transcript NM_004408.4 (MANE Select); coding-DNA position 1726, G replaced by A.
Protein change: p.Glu576Lys; replaces glutamic acid 576 with lysine.
Molecular consequence: missense variant.
Genome position (GRCh38, 1-based): chr9:128,246,448, G>A. VCF-style: chr9-128246448-G-A. GRCh37 (hg19) VCF-style: chr9-131008727-G-A.
Other names: c.1726G>A, p.Glu576Lys (NM_001005336.3, NM_001288737.2, NM_001288738.2 and 2 more transcripts); short protein forms E576K.
Identifiers: ClinVar variation 1067855 (VCV001067855.12), dbSNP rs2131283599, ClinGen allele CA375027055.